The following is an entry in ClinVar:

ClinVar aggregate classification (germline): Uncertain significance (1 of 4 stars; one submission).

Allele frequency attached by ClinVar (database versions not stated): gnomAD exomes below 0.00001; gnomAD 0.00001.
gnomAD v4.1: 4 of 1,613,980 alleles (0.00025%); highest among the groups gnomAD compares: African/African-American, 0.0013%; no homozygotes.

Submission:

Labcorp Genetics (formerly Invitae), Labcorp
Classification: Uncertain significance. Last evaluated: 2025-11-24. Review status: criteria provided, single submitter. Criteria: Invitae Variant Classification Sherloc (09022015). Collection method: clinical testing. Allele origin: germline.
Comment: This sequence change replaces serine, which is neutral and polar, with phenylalanine, which is neutral and non-polar, at codon 22 of the JAK1 protein (p.Ser22Phe). This variant is not present in population databases (gnomAD no frequency). This variant has not been reported in the literature in individuals affected with JAK1-related conditions. ClinVar contains an entry for this variant (Variation ID: 1915521). Invitae Evidence Modeling of protein sequence and biophysical properties (such as structural, functional, and spatial information, amino acid conservation, physicochemical variation, residue mobility, and thermodynamic stability) indicates that this missense variant is not expected to disrupt JAK1 protein function with a negative predictive value of 80%. In summary, the available evidence is currently insufficient to determine the role of this variant in disease. Therefore, it has been classified as a Variant of Uncertain Significance.

NM_002227.4(JAK1):c.65C>T (p.Ser22Phe)

Genes: JAK1 (Janus kinase 1; minus strand), LOC129930680 (ATAC-STARR-seq lymphoblastoid active region 1132; plus strand). Cytogenetic location: 1p31.3.
Variant type: single nucleotide variant.
Coding change: c.65C>T on transcript NM_002227.4 (MANE Select); coding-DNA position 65, C replaced by T.
Protein change: p.Ser22Phe; replaces serine 22 with phenylalanine.
Molecular consequence: missense variant.
Genome position (GRCh38, 1-based): chr1:64,883,417, G>A on the plus strand (C>T on the coding strand, the complement: JAK1 is on the minus strand). VCF-style: chr1-64883417-G-A. GRCh37 (hg19) VCF-style: chr1-65349100-G-A.
Other names: c.65C>T, p.Ser22Phe (NM_001320923.2, NM_001321852.2, NM_001321853.2 and 4 more transcripts); short protein forms S22F.
Identifiers: ClinVar variation 1915521 (VCV001915521.5), dbSNP rs1644805790, ClinGen allele CA340713982.